The following is an entry in ClinVar:

ClinVar aggregate classification (germline): Conflicting classifications of pathogenicity. Review status: criteria provided, conflicting classifications (1 of 4 stars). 2 submissions from 2 submitters: Uncertain significance (1); Likely benign (1). Last evaluated 2025-03-31.

Conditions:
Multiple endocrine neoplasia, type 2 (MEN2). Identifiers: Orphanet 653, MedGen C4048306, MONDO:0019003. Disease mechanism: gain of function.
Hereditary cancer-predisposing syndrome. Also called: Neoplastic Syndromes, Hereditary; Hereditary Cancer Syndrome; Tumor predisposition; Hereditary neoplastic syndrome. Identifiers: Orphanet 140162, MedGen C0027672, MeSH D009386, MONDO:0015356.

Submissions (2):

Ambry Genetics
Classification: Uncertain significance for Hereditary cancer-predisposing syndrome. Last evaluated: 2025-03-31. Review status: criteria provided, single submitter. Criteria: Ambry Variant Classification Scheme 2023. Collection method: clinical testing. Allele origin: germline.
Comment: The c.366C>T variant (also known as p.Y122Y), located in coding exon 3 of the RET gene, results from a C to T substitution at nucleotide position 366. This nucleotide substitution does not change the amino acid at codon 122. This nucleotide position is well conserved in available vertebrate species. In silico splice site analysis for this alteration is inconclusive. Based on the available evidence, the clinical significance of this variant remains unclear.

Labcorp Genetics (formerly Invitae), Labcorp
Classification: Likely benign for Multiple endocrine neoplasia, type 2. Last evaluated: 2022-09-27. Review status: criteria provided, single submitter. Criteria: Invitae Variant Classification Sherloc (09022015). Collection method: clinical testing. Allele origin: germline.

NM_020975.6(RET):c.366C>T (p.Tyr122=)

Gene: RET (ret proto-oncogene; plus strand). Cytogenetic location: 10q11.21.
Variant type: single nucleotide variant.
Coding change: c.366C>T on transcript NM_020975.6 (MANE Select); coding-DNA position 366, C replaced by T.
Protein change: p.Tyr122=; no amino-acid change (tyrosine 122 retained).
Molecular consequence: synonymous variant. On other transcripts: intron variant (22).
Genome position (GRCh38, 1-based): chr10:43,102,370, C>T. VCF-style: chr10-43102370-C-T. GRCh37 (hg19) VCF-style: chr10-43597818-C-T.
Other names: c.366C>T, p.Tyr122= (NM_000323.2, NM_001406743.1, NM_001406744.1 and 16 more transcripts); c.338-101C>T (NM_001406764.1, NM_001406762.1, NM_001406761.1 and 4 more transcripts); c.337+1648C>T (NM_001406770.1, NM_001406766.1, NM_001406767.1 and 8 more transcripts); c.74-6661C>T (NM_001406784.1); c.74-9729C>T (NM_001406794.1, NM_001406792.1, NM_001406793.1).
Identifiers: ClinVar variation 1936567 (VCV001936567.6), dbSNP rs2132678154, ClinGen allele CA469279105.